The following is an entry in ClinVar:

ClinVar aggregate classification (germline): Uncertain significance (1 of 4 stars; one submission).

Allele frequency attached by ClinVar (database versions not stated): gnomAD exomes below 0.00001.
gnomAD v4.1: 1 of 1,614,068 alleles (0.000062%); highest among the groups gnomAD compares: Non-Finnish European, 0.000085%; no homozygotes.

Submission:

Labcorp Genetics (formerly Invitae), Labcorp
Classification: Uncertain significance. Last evaluated: 2024-01-16. Review status: criteria provided, single submitter. Criteria: Invitae Variant Classification Sherloc (09022015). Collection method: clinical testing. Allele origin: germline.
Comment: This sequence change replaces alanine, which is neutral and non-polar, with threonine, which is neutral and polar, at codon 262 of the A2ML1 protein (p.Ala262Thr). This variant is not present in population databases (gnomAD no frequency). This variant has not been reported in the literature in individuals affected with A2ML1-related conditions. An algorithm developed to predict the effect of missense changes on protein structure and function (PolyPhen-2) suggests that this variant is likely to be tolerated. In summary, the available evidence is currently insufficient to determine the role of this variant in disease. Therefore, it has been classified as a Variant of Uncertain Significance.

NM_144670.6(A2ML1):c.784G>A (p.Ala262Thr)

Gene: A2ML1 (alpha-2-macroglobulin like 1; plus strand). Cytogenetic location: 12p13.31.
Variant type: single nucleotide variant.
Coding change: c.784G>A on transcript NM_144670.6 (MANE Select); coding-DNA position 784, G replaced by A.
Protein change: p.Ala262Thr; replaces alanine 262 with threonine.
Molecular consequence: missense variant.
Genome position (GRCh38, 1-based): chr12:8,837,495, G>A. VCF-style: chr12-8837495-G-A. GRCh37 (hg19) VCF-style: chr12-8990091-G-A.
Other names: short protein forms A262T.
Identifiers: ClinVar variation 2728706 (VCV002728706.3), dbSNP rs2539207095, ClinGen allele CA383822917.
Genomic context (GRCh38, chr12:8,837,495, plus strand): 5'-GTTAGGTACACCTATGGAAAGCCCATGCTAGGGGCAGTGCAGGTATCTGTGTGTCAGAAG[G>A]CAAATACTTACTGGTATCGAGAGGTGGAACGGGAACAGCTTCCTGACAAATGCAGGAACC-3'
Protein context (NP_653271.3, residues 252-272): GAVQVSVCQK[Ala262Thr]NTYWYREVER